The following is an entry in ClinVar:

NM_144687.4(NLRP12):c.704C>T (p.Ala235Val)

Gene: NLRP12 (NLR family pyrin domain containing 12; minus strand). Cytogenetic location: 19q13.42.
Variant type: single nucleotide variant.
Coding change: c.704C>T on transcript NM_144687.4 (MANE Select); coding-DNA position 704, C replaced by T.
Protein change: p.Ala235Val; replaces alanine 235 with valine.
Molecular consequence: missense variant.
Genome position (GRCh38, 1-based): chr19:53,810,955, G>A on the plus strand (C>T on the coding strand, the complement: NLRP12 is on the minus strand). VCF-style: chr19-53810955-G-A. GRCh37 (hg19) VCF-style: chr19-54314209-G-A.
Other names: c.704C>T, p.Ala235Val (NM_001277126.2, NM_001277129.1); short protein forms A235V.
Identifiers: ClinVar variation 645233 (VCV000645233.8), dbSNP rs141779249, ClinGen allele CA9639629.
Genomic context (GRCh38, chr19:53,810,955, plus strand): 5'-ATCTCCCTGCAGTTGATGTAGAAGAGATAATCAAATCTGCCTTGGAAGAGCTTCCCGTCC[G>A]CCCAGTCCAGCATCACCTTGTGTGCCAGCATGGACTTGCCTATCCCTGCCGCGCCTTGCA-3'
Protein context (NP_653288.1, residues 225-245): MLAHKVMLDW[Ala235Val]DGKLFQGRFD

ClinVar aggregate classification (germline): Uncertain significance (1 of 4 stars; one submission).

Conditions:
Familial cold autoinflammatory syndrome 2 (FCAS2). Identifiers: Orphanet 247868, MedGen C2673198, MONDO:0012724, OMIM 611762.

Allele frequency attached by ClinVar (database versions not stated): gnomAD 0.00001; ExAC 0.00002; TOPMed 0.00003; gnomAD exomes 0.00004; ESP Exome Variant Server 0.00008.

Submission:

Labcorp Genetics (formerly Invitae), Labcorp
Classification: Uncertain significance for Familial cold autoinflammatory syndrome 2. Last evaluated: 2025-12-01. Review status: criteria provided, single submitter. Criteria: Invitae Variant Classification Sherloc (09022015). Collection method: clinical testing. Allele origin: germline.
Comment: This sequence change replaces alanine, which is neutral and non-polar, with valine, which is neutral and non-polar, at codon 235 of the NLRP12 protein (p.Ala235Val). This variant is present in population databases (rs141779249, gnomAD 0.01%). This variant has not been reported in the literature in individuals affected with NLRP12-related conditions. ClinVar contains an entry for this variant (Variation ID: 645233). Invitae Evidence Modeling of protein sequence and biophysical properties (such as structural, functional, and spatial information, amino acid conservation, physicochemical variation, residue mobility, and thermodynamic stability) indicates that this missense variant is expected to disrupt NLRP12 protein function with a positive predictive value of 80%. In summary, the available evidence is currently insufficient to determine the role of this variant in disease. Therefore, it has been classified as a Variant of Uncertain Significance.